The following is an entry in ClinVar:

ClinVar aggregate classification (germline): Uncertain significance. Review status: criteria provided, multiple submitters, no conflicts (2 of 4 stars). 2 submissions from 2 submitters: Uncertain significance (2). Last evaluated 2026-01-05.

Conditions:
Charcot-Marie-Tooth disease type 4. Also called: Charcot-Marie-Tooth, Type 4; Charcot-Marie-Tooth disease, type IV. Identifiers: Orphanet 64749, MedGen C4082197, MONDO:0018995.
Charcot-Marie-Tooth disease type 4D. Also called: CHARCOT-MARIE-TOOTH DISEASE, DEMYELINATING, AUTOSOMAL RECESSIVE, TYPE 4D; NEUROPATHY, HEREDITARY MOTOR AND SENSORY, LOM TYPE; Charcot-Marie-Tooth Neuropathy Type 4D; CHARCOT-MARIE-TOOTH DISEASE, DEMYELINATING, TYPE 4D. Identifiers: Orphanet 99950, MedGen C1832334, MONDO:0011085, OMIM 601455.

Allele frequency attached by ClinVar (database versions not stated): ExAC below 0.00001; gnomAD 0.00001; gnomAD exomes 0.00001 and 0.00003; 1000 Genomes Project 0.00020.
gnomAD v4.1: 13 of 1,591,308 alleles (0.00082%); highest among the groups gnomAD compares: South Asian, 0.0057%; no homozygotes.

Submissions (2):

Labcorp Genetics (formerly Invitae), Labcorp
Classification: Uncertain significance for Charcot-Marie-Tooth disease type 4. Last evaluated: 2026-01-05. Review status: criteria provided, single submitter. Criteria: Invitae Variant Classification Sherloc (09022015). Collection method: clinical testing. Allele origin: germline.
Comment: This sequence change replaces arginine, which is basic and polar, with cysteine, which is neutral and slightly polar, at codon 363 of the NDRG1 protein (p.Arg363Cys). This variant is present in population databases (rs530143616, gnomAD 0.008%). This variant has not been reported in the literature in individuals affected with NDRG1-related conditions. ClinVar contains an entry for this variant (Variation ID: 910307). An algorithm developed to predict the effect of missense changes on protein structure and function (PolyPhen-2) suggests that this variant is likely to be disruptive. In summary, the available evidence is currently insufficient to determine the role of this variant in disease. Therefore, it has been classified as a Variant of Uncertain Significance.

Illumina Laboratory Services, Illumina
Classification: Uncertain significance for Charcot-Marie-Tooth disease type 4D. Last evaluated: 2018-01-12. Review status: criteria provided, single submitter. Criteria: ICSL Variant Classification Criteria 13 December 2019. Collection method: clinical testing. Allele origin: germline.

NM_006096.4(NDRG1):c.1087C>T (p.Arg363Cys)

Gene: NDRG1 (N-myc downstream regulated 1; minus strand). Cytogenetic location: 8q24.22.
Variant type: single nucleotide variant.
Coding change: c.1087C>T on transcript NM_006096.4 (MANE Select); coding-DNA position 1087, C replaced by T.
Protein change: p.Arg363Cys; replaces arginine 363 with cysteine.
Molecular consequence: missense variant.
Genome position (GRCh38, 1-based): chr8:133,238,976, G>A on the plus strand (C>T on the coding strand, the complement: NDRG1 is on the minus strand). VCF-style: chr8-133238976-G-A. GRCh37 (hg19) VCF-style: chr8-134251219-G-A.
Other names: c.1138C>T, p.Arg380Cys (NM_001374844.1); c.1087C>T, p.Arg363Cys (NM_001374845.1, NM_001374846.1, NM_001135242.2); c.889C>T, p.Arg297Cys (NM_001374847.1, NM_001258432.2); c.844C>T, p.Arg282Cys (NM_001258433.2); short protein forms R282C, R380C, R297C, R363C.
Identifiers: ClinVar variation 910307 (VCV000910307.6), dbSNP rs530143616, ClinGen allele CA4886426.